The following is an entry in ClinVar:

ClinVar aggregate classification (germline): Uncertain significance (1 of 4 stars; one submission).

Conditions:
Niemann-Pick disease, type A. Also called: SPHINGOMYELIN LIPIDOSIS; SPHINGOMYELINASE DEFICIENCY; Infantile Neurovisceral ASMD (Niemann-Pick Disease Type A; NPD-A). Identifiers: Orphanet 77292, MedGen C0268242, MONDO:0009756, OMIM 257200. Disease mechanism: loss of function.
Niemann-Pick disease, type B. Also called: Chronic Visceral ASMD (Niemann-Pick Disease Type B; NPD-B). Identifiers: Orphanet 77293, MedGen C0268243, MONDO:0011871, OMIM 607616. Disease mechanism: loss of function.

Submission:

Labcorp Genetics (formerly Invitae), Labcorp
Classification: Uncertain significance for Niemann-Pick disease, type B; Niemann-Pick disease, type A. Last evaluated: 2022-06-19. Review status: criteria provided, single submitter. Criteria: Invitae Variant Classification Sherloc (09022015). Collection method: clinical testing. Allele origin: germline.
Comment: In summary, the available evidence is currently insufficient to determine the role of this variant in disease. Therefore, it has been classified as a Variant of Uncertain Significance. Advanced modeling of protein sequence and biophysical properties (such as structural, functional, and spatial information, amino acid conservation, physicochemical variation, residue mobility, and thermodynamic stability) performed at Invitae indicates that this missense variant is not expected to disrupt SMPD1 protein function. This variant has not been reported in the literature in individuals affected with SMPD1-related conditions. This variant is present in population databases (no rsID available, gnomAD 0.1%). This sequence change replaces arginine, which is basic and polar, with serine, which is neutral and polar, at codon 627 of the SMPD1 protein (p.Arg627Ser).

NM_000543.5(SMPD1):c.1881G>T (p.Arg627Ser)

Gene: SMPD1 (sphingomyelin phosphodiesterase 1; plus strand). Cytogenetic location: 11p15.4.
Variant type: single nucleotide variant.
Coding change: c.1881G>T on transcript NM_000543.5 (MANE Select); coding-DNA position 1881, G replaced by T.
Protein change: p.Arg627Ser; replaces arginine 627 with serine.
Molecular consequence: missense variant. On other transcripts: 3 prime UTR variant (1), non-coding transcript variant (2).
Genome position (GRCh38, 1-based): chr11:6,394,592, G>T. VCF-style: chr11-6394592-G-T. GRCh37 (hg19) VCF-style: chr11-6415822-G-T.
Other names: c.1878G>T, p.Arg626Ser (NM_001007593.3); c.*374G>T (NM_001318087.2); c.960G>T, p.Arg320Ser (NM_001318088.2); c.1749G>T, p.Arg583Ser (NM_001365135.2); short protein forms R626S, R583S, R320S, R627S.
Identifiers: ClinVar variation 2185269 (VCV002185269.4), dbSNP rs1401541760, ClinGen allele CA379377469.
Genomic context (GRCh38, chr11:6,394,592, plus strand): 5'-TCTGTGCCGCCACCTGATGCCAGATGGGAGCCTCCCAGAGGCCCAGAGCCTGTGGCCAAG[G>T]CCACTGTTTTGCTAGGGCCCCAGGGCCCACATTTGGGAAAGTTCTTGATGTAGGAAAGGG-3'
Protein context (NP_000534.3, residues 617-631): SLPEAQSLWP[Arg627Ser]PLFC